The following is an entry in ClinVar:

ClinVar aggregate classification (germline): Uncertain significance (1 of 4 stars; one submission).

gnomAD v4.1: 2 of 1,613,324 alleles (0.00012%); highest among the groups gnomAD compares: Non-Finnish European, 0.00017%; no homozygotes.

Submission:

Labcorp Genetics (formerly Invitae), Labcorp
Classification: Uncertain significance. Last evaluated: 2025-05-25. Review status: criteria provided, single submitter. Criteria: Invitae Variant Classification Sherloc (09022015). Collection method: clinical testing. Allele origin: germline.
Comment: This sequence change falls in intron 29 of the MYH3 gene. It does not directly change the encoded amino acid sequence of the MYH3 protein. It affects a nucleotide within the consensus splice site. This variant is not present in population databases (gnomAD no frequency). This variant has not been reported in the literature in individuals affected with MYH3-related conditions. Variants that disrupt the consensus splice site are a relatively common cause of aberrant splicing (PMID: 17576681, 9536098). Algorithms developed to predict the effect of sequence changes on RNA splicing suggest that this variant is not likely to affect RNA splicing. In summary, the available evidence is currently insufficient to determine the role of this variant in disease. Therefore, it has been classified as a Variant of Uncertain Significance.

Literature cited by the submitters: PubMed 17576681; PubMed 9536098.

NM_002470.4(MYH3):c.3975+4C>T

Gene: MYH3 (myosin heavy chain 3; minus strand). Cytogenetic location: 17p13.1.
Variant type: single nucleotide variant.
Coding change: c.3975+4C>T on transcript NM_002470.4 (MANE Select); 4 bases into the intron after coding-DNA position 3975, C replaced by T.
Molecular consequence: intron variant.
Genome position (GRCh38, 1-based): chr17:10,635,731, G>A on the plus strand (C>T on the coding strand, the complement: MYH3 is on the minus strand). VCF-style: chr17-10635731-G-A. GRCh37 (hg19) VCF-style: chr17-10539048-G-A.
Identifiers: ClinVar variation 4775896 (VCV004775896.1).